The following is an entry in ClinVar:

ClinVar aggregate classification (germline): Uncertain significance (1 of 4 stars; one submission).

Allele frequency attached by ClinVar (database versions not stated): gnomAD 0.00001; gnomAD exomes 0.00001.
gnomAD v4.1: 12 of 1,534,952 alleles (0.00078%); highest among the groups gnomAD compares: South Asian, 0.0059%; no homozygotes.

Submission:

Ambry Genetics
Classification: Uncertain significance. Last evaluated: 2023-09-01. Review status: criteria provided, single submitter. Criteria: Ambry Variant Classification Scheme 2023. Collection method: clinical testing. Allele origin: germline.
Comment: The p.A49S variant (also known as c.145G>T), located in coding exon 1 of the PRKDC gene, results from a G to T substitution at nucleotide position 145. The alanine at codon 49 is replaced by serine, an amino acid with similar properties. This amino acid position is conserved. In addition, this alteration is predicted to be tolerated by in silico analysis. Since supporting evidence is limited at this time, the clinical significance of this alteration remains unclear.

NM_006904.7(PRKDC):c.145G>T (p.Ala49Ser)

Genes: PRKDC (protein kinase, DNA-activated, catalytic subunit; minus strand), LOC130000337 (ATAC-STARR-seq lymphoblastoid silent region 19176; plus strand). Cytogenetic location: 8q11.21.
Variant type: single nucleotide variant.
Coding change: c.145G>T on transcript NM_006904.7 (MANE Select); coding-DNA position 145, G replaced by T.
Protein change: p.Ala49Ser; replaces alanine 49 with serine.
Molecular consequence: missense variant.
Genome position (GRCh38, 1-based): chr8:47,959,982, C>A on the plus strand (G>T on the coding strand, the complement: PRKDC is on the minus strand). VCF-style: chr8-47959982-C-A. GRCh37 (hg19) VCF-style: chr8-48872542-C-A.
Other names: c.145G>T, p.Ala49Ser (NM_001081640.2); short protein forms A49S.
Identifiers: ClinVar variation 2586710 (VCV002586710.2), dbSNP rs1403177409, ClinGen allele CA371142591.